The following is an entry in ClinVar:

NM_000059.4(BRCA2):c.8086T>C (p.Leu2696=)

Gene: BRCA2 (BRCA2 DNA repair associated; plus strand). Cytogenetic location: 13q13.1.
Variant type: single nucleotide variant.
Coding change: c.8086T>C on transcript NM_000059.4 (MANE Select); coding-DNA position 8086, T replaced by C.
Protein change: p.Leu2696=; no amino-acid change (leucine 2696 retained).
Molecular consequence: synonymous variant.
Genome position (GRCh38, 1-based): chr13:32,363,288, T>C. VCF-style: chr13-32363288-T-C. GRCh37 (hg19) VCF-style: chr13-32937425-T-C.
Identifiers: ClinVar variation 186319 (VCV000186319.26), dbSNP rs767912817, ClinGen allele CA025445.
Genomic context (GRCh38, chr13:32,363,288, plus strand): 5'-ATGGAAAGGGATGACACAGCTGCAAAAACACTTGTTCTCTGTGTTTCTGACATAATTTCA[T>C]TGAGCGCAAATATATCTGAAACTTCTAGCAATAAAACTAGTAGTGCAGATACCCAAAAAG-3'
Protein context (NP_000050.3, residues 2686-2706): LVLCVSDIIS[Leu2696=]SANISETSSN

ClinVar aggregate classification (germline): Likely benign. Review status: reviewed by expert panel (3 of 4 stars). 8 submissions from 8 submitters: Likely benign (1). 7 of the submissions do not count toward it. Last evaluated 2017-06-29.

Conditions:
Hereditary breast ovarian cancer syndrome. Also called: Hereditary breast and ovarian cancer; Hereditary breast and ovarian cancer syndrome; Breast and ovarian cancer; Hereditary breast and ovarian cancer syndrome (HBOC); Hereditary breast and/or ovarian cancer syndrome; BRCA1- and BRCA2-Associated Hereditary Breast and Ovarian Cancer. Identifiers: Orphanet 145, MedGen C0677776, MeSH D061325, MONDO:0003582. Disease mechanism: loss of function.
Hereditary cancer-predisposing syndrome. Also called: Hereditary Cancer Syndrome; Neoplastic Syndromes, Hereditary; Tumor predisposition; Hereditary neoplastic syndrome. Identifiers: Orphanet 140162, MedGen C0027672, MeSH D009386, MONDO:0015356.
Breast-ovarian cancer, familial, susceptibility to, 2 (BROVCA2). Also called: BRCA2 Hereditary Breast and Ovarian Cancer. Identifiers: Orphanet 145, MedGen C2675520, MONDO:0012933, OMIM 612555. Disease mechanism: loss of function.

Allele frequency attached by ClinVar (database versions not stated): TOPMed below 0.00001; ExAC 0.00001; gnomAD 0.00001; gnomAD exomes 0.00001.
gnomAD v4.1: 16 of 1,614,056 alleles (0.00099%); highest among the groups gnomAD compares: East Asian, 0.0045%; no homozygotes.

Submissions (8):

Evidence-based Network for the Interpretation of Germline Mutant Alleles (ENIGMA)
Classification: Likely benign for Breast-ovarian cancer, familial, susceptibility to, 2. Last evaluated: 2017-06-29. Review status: reviewed by expert panel. Criteria: ENIGMA BRCA1/2 Classification Criteria (2017-06-29). Collection method: curation. Allele origin: germline.
Comment: Synonymous substitution variant, with low bioinformatic likelihood to result in a splicing aberration (Splicing prior probability 0.02).

Labcorp Genetics (formerly Invitae), Labcorp
Classification: Likely benign for Hereditary breast ovarian cancer syndrome. Last evaluated: 2026-01-11. Review status: criteria provided, single submitter. Criteria: Invitae Variant Classification Sherloc (09022015). Collection method: clinical testing. Allele origin: germline. Not counted in ClinVar's aggregate classification.

Quest Diagnostics Nichols Institute San Juan Capistrano
Classification: Likely benign. Last evaluated: 2023-08-22. Review status: criteria provided, single submitter. Criteria: Quest Diagnostics criteria. Collection method: clinical testing. Allele origin: unknown. Not counted in ClinVar's aggregate classification.

All of Us Research Program, National Institutes of Health
Classification: Likely benign for Breast-ovarian cancer, familial, susceptibility to, 2. Last evaluated: 2023-05-08. Review status: criteria provided, single submitter. Criteria: ACMG Guidelines, 2015. Collection method: clinical testing. Allele origin: germline. Inheritance: Autosomal dominant inheritance. Observed: 2 variant alleles, 2 heterozygotes. Not counted in ClinVar's aggregate classification.
Comment: This study involves interpretation of variants in research participants for the purpose of population health screening. Participant phenotype was not available at the time of variant classification. Additional details can be found in publication PMID: 35346344, PMCID: PMC8962531

Women's Health and Genetics/Laboratory Corporation of America, LabCorp
Classification: Likely benign. Last evaluated: 2021-12-12. Review status: criteria provided, single submitter. Criteria: LabCorp Variant Classification Summary - May 2015. Collection method: clinical testing. Allele origin: germline. Not counted in ClinVar's aggregate classification.

Color Diagnostics, LLC DBA Color Health
Classification: Likely benign for Hereditary cancer-predisposing syndrome. Last evaluated: 2016-10-11. Review status: criteria provided, single submitter. Criteria: ACMG Guidelines, 2015. Collection method: clinical testing. Allele origin: germline. Not counted in ClinVar's aggregate classification.

GeneDx
Classification: Benign. Last evaluated: 2015-08-21. Review status: criteria provided, single submitter. Criteria: GeneDx Variant Classification Process June 2021. Collection method: clinical testing. Allele origin: germline. Affected: yes. Not counted in ClinVar's aggregate classification.

Ambry Genetics
Classification: Likely benign for Hereditary cancer-predisposing syndrome. Last evaluated: 2014-09-22. Review status: criteria provided, single submitter. Criteria: Ambry Variant Classification Scheme 2023. Collection method: clinical testing. Allele origin: germline. Not counted in ClinVar's aggregate classification.

Literature cited by the submitters: PubMed 32467295 (cited by Quest Diagnostics Nichols Institute San Juan Capistrano); PubMed 14973102 (cited by Quest Diagnostics Nichols Institute San Juan Capistrano).